The following is an entry in ClinVar:

ClinVar aggregate classification (germline): Pathogenic (1 of 4 stars; one submission).

Submission:

Labcorp Genetics (formerly Invitae), Labcorp
Classification: Pathogenic. Last evaluated: 2023-06-15. Review status: criteria provided, single submitter. Criteria: Invitae Variant Classification Sherloc (09022015). Collection method: clinical testing. Allele origin: germline.
Comment: For these reasons, this variant has been classified as Pathogenic. This variant has not been reported in the literature in individuals affected with NFKB1-related conditions. This variant is not present in population databases (gnomAD no frequency). This sequence change creates a premature translational stop signal (p.Thr127Metfs*19) in the NFKB1 gene. It is expected to result in an absent or disrupted protein product. Loss-of-function variants in NFKB1 are known to be pathogenic (PMID: 26279205, 29477724).

Literature cited by the submitters: PubMed 26279205; PubMed 29477724.

NM_003998.4(NFKB1):c.380del (p.Thr127fs)

Gene: NFKB1 (nuclear factor kappa B subunit 1; plus strand). Cytogenetic location: 4q24.
Variant type: Deletion.
Coding change: c.380del on transcript NM_003998.4 (MANE Select); coding-DNA position 380, one base deleted (C; older notation c.380delC).
Protein change: p.Thr127fs; shifts the reading frame from threonine 127.
Molecular consequence: frameshift variant.
Genome position (GRCh38, 1-based): chr4:102,567,108, C deleted. VCF-style (leftmost placement, unchanged base first): chr4-102567107-AC-A. GRCh37 (hg19) VCF-style: chr4-103488264-AC-A.
Other names: c.377del, p.Thr126fs (NM_001165412.2, NM_001319226.2, NM_001382627.1); c.380del, p.Thr127fs (NM_001382625.1, NM_001382626.1); c.338del, p.Thr113fs (NM_001382628.1); short protein forms T127fs, T126fs, T113fs.
Identifiers: ClinVar variation 2866406 (VCV002866406.3), dbSNP rs2476351160, ClinGen allele CA2739270191.